The following is an entry in ClinVar:

NM_004055.5(CAPN5):c.544A>C (p.Thr182Pro)

Gene: CAPN5 (calpain 5; plus strand). Cytogenetic location: 11q13.5.
Variant type: single nucleotide variant.
Coding change: c.544A>C on transcript NM_004055.5 (MANE Select); coding-DNA position 544, A replaced by C.
Protein change: p.Thr182Pro; replaces threonine 182 with proline.
Molecular consequence: missense variant.
Genome position (GRCh38, 1-based): chr11:77,114,279, A>C. VCF-style: chr11-77114279-A-C. GRCh37 (hg19) VCF-style: chr11-76825325-A-C.
Other names: short protein forms T182P.
Identifiers: ClinVar variation 1389222 (VCV001389222.6), dbSNP rs2135477323, ClinGen allele CA381937759.

ClinVar aggregate classification (germline): Uncertain significance (1 of 4 stars; one submission).

Submission:

Labcorp Genetics (formerly Invitae), Labcorp
Classification: Uncertain significance. Last evaluated: 2022-03-02. Review status: criteria provided, single submitter. Criteria: Invitae Variant Classification Sherloc (09022015). Collection method: clinical testing. Allele origin: germline.
Comment: This variant is not present in population databases (gnomAD no frequency). In summary, the available evidence is currently insufficient to determine the role of this variant in disease. Therefore, it has been classified as a Variant of Uncertain Significance. Algorithms developed to predict the effect of missense changes on protein structure and function are either unavailable or do not agree on the potential impact of this missense change (SIFT: "Deleterious"; PolyPhen-2: "Probably Damaging"; Align-GVGD: "Class C0"). This variant has not been reported in the literature in individuals affected with CAPN5-related conditions. This sequence change replaces threonine, which is neutral and polar, with proline, which is neutral and non-polar, at codon 182 of the CAPN5 protein (p.Thr182Pro).